The following is an entry in ClinVar:

NM_001367624.2(ZNF469):c.5698C>A (p.Pro1900Thr)

Gene: ZNF469 (zinc finger protein 469; plus strand). Cytogenetic location: 16q24.2.
Variant type: single nucleotide variant.
Coding change: c.5698C>A on transcript NM_001367624.2 (MANE Select); coding-DNA position 5698, C replaced by A.
Protein change: p.Pro1900Thr; replaces proline 1900 with threonine.
Molecular consequence: missense variant.
Genome position (GRCh38, 1-based): chr16:88,433,168, C>A. VCF-style: chr16-88433168-C-A. GRCh37 (hg19) VCF-style: chr16-88499576-C-A.
Other names: short protein forms P1900T.
Identifiers: ClinVar variation 1933035 (VCV001933035.3), dbSNP rs754730500, ClinGen allele CA286380806.

ClinVar aggregate classification (germline): Uncertain significance. Review status: criteria provided, multiple submitters, no conflicts (2 of 4 stars). 2 submissions from 2 submitters: Uncertain significance (2). Last evaluated 2026-06-08.

gnomAD v4.1: 39 of 1,549,810 alleles (0.0025%); highest among the groups gnomAD compares: East Asian, 0.0098%; no homozygotes.

Submissions (2):

Women's Health and Genetics/Laboratory Corporation of America, LabCorp
Classification: Uncertain significance. Last evaluated: 2026-06-08. Review status: criteria provided, single submitter. Criteria: LabCorp Variant Classification Summary - May 2015. Collection method: clinical testing. Allele origin: germline.

Labcorp Genetics (formerly Invitae), Labcorp
Classification: Uncertain significance. Last evaluated: 2022-10-26. Review status: criteria provided, single submitter. Criteria: Invitae Variant Classification Sherloc (09022015). Collection method: clinical testing. Allele origin: germline.
Comment: This sequence change replaces proline, which is neutral and non-polar, with threonine, which is neutral and polar, at codon 1872 of the ZNF469 protein (p.Pro1872Thr). This variant is present in population databases (no rsID available, gnomAD 0.008%). This variant has not been reported in the literature in individuals affected with ZNF469-related conditions. Algorithms developed to predict the effect of missense changes on protein structure and function are either unavailable or do not agree on the potential impact of this missense change (SIFT: "Deleterious"; PolyPhen-2: "Benign"; Align-GVGD: "Class C0"). In summary, the available evidence is currently insufficient to determine the role of this variant in disease. Therefore, it has been classified as a Variant of Uncertain Significance.